The following is an entry in ClinVar:

ClinVar aggregate classification (germline): Pathogenic/Likely pathogenic. Review status: criteria provided, multiple submitters, no conflicts (2 of 4 stars). 5 submissions from 5 submitters: Pathogenic (2); Likely pathogenic (2). 1 of the submissions does not count toward it. Last evaluated 2026-04-09.

Conditions:
Global developmental delay (DD). Also called: Cognitive delay. Identifiers: MedGen C0557874, HP:0001263. Disease mechanism: loss of function.
Delayed speech and language development. Also called: Language delay. Identifiers: MedGen C0454644, HP:0000750.
Atypical behavior. Also called: Behavioral disorders; Behavioral abnormality. Identifiers: MedGen C0004941, HP:0000708.
Intellectual disability. Also called: Intellectual functioning disability; intellectual disabilities; Intellectual developmental disorder. Identifiers: MedGen C3714756, MeSH D008607, MONDO:0001071, HP:0001249.
Developmental delay, impaired speech, and behavioral abnormalities, with or without seizures (DEDISB). Identifiers: MedGen C5575272, MONDO:0859263, OMIM 619964.

Submissions (5):

Dasa
Classification: Likely pathogenic. Last evaluated: 2026-04-09. Review status: criteria provided, single submitter. Criteria: DASA Assertion Criteria. Collection method: clinical testing. Allele origin: germline.
Comment: NM_006421.5(ARFGEF1):c.2392G>A (p.Asp798Asn) is a missense variant that results in the substitution of aspartic acid with asparagine. This variant has been reported in individuals with ARFGEF1-related disorders (PMID: 34113008). This variant has been reported as a de novo occurrence in an affected individual (PMID: 34113008). Also, this variant is rare in population databases. Based on the currently available evidence, this variant is classified as likely pathogenic.

GeneDx
Classification: Pathogenic. Last evaluated: 2025-01-05. Review status: criteria provided, single submitter. Criteria: GeneDx Variant Classification Process June 2021. Collection method: clinical testing. Allele origin: germline. Affected: yes.
Comment: Not observed at significant frequency in large population cohorts (gnomAD); In silico analysis supports that this missense variant has a deleterious effect on protein structure/function; This variant is associated with the following publications: (PMID: 34113008)

Institute of Human Genetics, University of Leipzig Medical Center
Classification: Likely pathogenic for Developmental delay, impaired speech, and behavioral abnormalities, with or without seizures. Last evaluated: 2024-10-30. Review status: criteria provided, single submitter. Criteria: ACMG Guidelines, 2015. Collection method: clinical testing. Allele origin: unknown. Inheritance: Autosomal dominant inheritance. Affected: yes.
Comment: Criteria applied: PS2_MOD,PM2,PS4_SUP,PP2

Equipe Genetique des Anomalies du Developpement, Université de Bourgogne
Classification: Pathogenic for Global developmental delay; Delayed speech and language development; Atypical behavior; Intellectual disability. Review status: criteria provided, single submitter. Criteria: ACMG Guidelines, 2015. Collection method: clinical testing. Allele origin: de novo. Affected: yes.

OMIM
Classification: Pathogenic for DEVELOPMENTAL DELAY, IMPAIRED SPEECH, AND BEHAVIORAL ABNORMALITIES, WITHOUT SEIZURES. Last evaluated: 2022-08-22. Review status: no assertion criteria provided. Collection method: literature only. Allele origin: germline. Not counted in ClinVar's aggregate classification.

Literature cited by the submitters: PubMed 34113008 (cited by 3 submitters).

NM_006421.5(ARFGEF1):c.2392G>A (p.Asp798Asn)

Gene: ARFGEF1 (ARF guanine nucleotide exchange factor 1; minus strand). Cytogenetic location: 8q13.2.
Variant type: single nucleotide variant.
Coding change: c.2392G>A on transcript NM_006421.5 (MANE Select); coding-DNA position 2392, G replaced by A.
Protein change: p.Asp798Asn; replaces aspartic acid 798 with asparagine.
Molecular consequence: missense variant.
Genome position (GRCh38, 1-based): chr8:67,258,134, C>T on the plus strand (G>A on the coding strand, the complement: ARFGEF1 is on the minus strand). VCF-style: chr8-67258134-C-T. GRCh37 (hg19) VCF-style: chr8-68170369-C-T.
Other names: short protein forms D798N.
Identifiers: ClinVar variation 996312 (VCV000996312.10), dbSNP rs1840520188, ClinGen allele CA371214129.